The following is an entry in ClinVar:

NM_001378969.1(KCND3):c.433G>C (p.Glu145Gln)

Gene: KCND3 (potassium voltage-gated channel subfamily D member 3; minus strand). Cytogenetic location: 1p13.2.
Variant type: single nucleotide variant.
Coding change: c.433G>C on transcript NM_001378969.1 (MANE Select); coding-DNA position 433, G replaced by C.
Protein change: p.Glu145Gln; replaces glutamic acid 145 with glutamine.
Molecular consequence: missense variant.
Genome position (GRCh38, 1-based): chr1:111,982,294, C>G on the plus strand (G>C on the coding strand, the complement: KCND3 is on the minus strand). VCF-style: chr1-111982294-C-G. GRCh37 (hg19) VCF-style: chr1-112524916-C-G.
Other names: c.433G>C, p.Glu145Gln (NM_001378970.1, NM_004980.5, NM_172198.3); short protein forms E145Q.
Identifiers: ClinVar variation 3224550 (VCV003224550.1), dbSNP rs1557768261, ClinGen allele CA341822152.

ClinVar aggregate classification (germline): Uncertain significance (1 of 4 stars; one submission).

Conditions:
Cardiovascular phenotype. Identifiers: MedGen CN230736.

Submission:

Ambry Genetics
Classification: Uncertain significance for Cardiovascular phenotype. Last evaluated: 2024-03-09. Review status: criteria provided, single submitter. Criteria: Ambry Variant Classification Scheme 2023. Collection method: clinical testing. Allele origin: germline.
Comment: The p.E145Q variant (also known as c.433G>C), located in coding exon 1 of the KCND3 gene, results from a G to C substitution at nucleotide position 433. The glutamic acid at codon 145 is replaced by glutamine, an amino acid with highly similar properties. This amino acid position is conserved. In addition, this alteration is predicted to be deleterious by in silico analysis. Based on the available evidence, the clinical significance of this alteration remains unclear.